The following is an entry in ClinVar:

ClinVar aggregate classification (germline): Uncertain significance (1 of 4 stars; one submission).

Conditions:
Peutz-Jeghers syndrome (PJS). Also called: POLYPOSIS, HAMARTOMATOUS INTESTINAL; POLYPS-AND-SPOTS SYNDROME; Peutz-Jeghers polyposis; Periorificial lentiginosis syndrome. Identifiers: Orphanet 2869, MedGen C0031269, MeSH D010580, MONDO:0008280, OMIM 175200.

Submission:

Labcorp Genetics (formerly Invitae), Labcorp
Classification: Uncertain significance for Peutz-Jeghers syndrome. Last evaluated: 2018-10-01. Review status: criteria provided, single submitter. Criteria: Invitae Variant Classification Sherloc (09022015). Collection method: clinical testing. Allele origin: germline.
Comment: This sequence change replaces glutamine with lysine at codon 7 of the STK11 protein (p.Gln7Lys). The glutamine residue is moderately conserved and there is a small physicochemical difference between glutamine and lysine. This variant is not present in population databases (ExAC no frequency). This variant has not been reported in the literature in individuals with STK11-related disease. Algorithms developed to predict the effect of missense changes on protein structure and function are either unavailable or do not agree on the potential impact of this missense change (SIFT: "Tolerated"; PolyPhen-2: "Not Available"; Align-GVGD: "Class C0"). In summary, the available evidence is currently insufficient to determine the role of this variant in disease. Therefore, it has been classified as a Variant of Uncertain Significance.

NM_000455.5(STK11):c.18_19delinsAA (p.Gln7Lys)

Gene: STK11 (serine/threonine kinase 11; plus strand). Cytogenetic location: 19p13.3.
Variant type: Indel.
Coding change: c.18_19delinsAA on transcript NM_000455.5 (MANE Select); coding-DNA positions 18 to 19, GC replaced by AA.
Protein change: p.Gln7Lys; replaces glutamine 7 with lysine.
Molecular consequence: missense variant.
Genome position (GRCh38, 1-based): chr19:1,206,931-1,206,932, GC replaced by AA. VCF-style: chr19-1206931-GC-AA. GRCh37 (hg19) VCF-style: chr19-1206930-GC-AA.
Other names: c.18_19delGCinsAA (NM_000455.4); short protein forms Q7K.
Identifiers: ClinVar variation 658263 (VCV000658263.7), dbSNP rs1599914747, ClinGen allele CA915951607.